The following is an entry in ClinVar:

ClinVar aggregate classification (germline): Likely benign (0 of 4 stars; one submission).

Conditions:
ACACB-related disorder. Also called: ACACB-related condition.

Allele frequency attached by ClinVar (database versions not stated): gnomAD 0.00019; TOPMed 0.00028; ExAC 0.00044; 1000 Genomes Project 30x 0.00078; 1000 Genomes Project 0.00080.
gnomAD v4.1: 341 of 1,613,882 alleles (0.021%); highest among the groups gnomAD compares: East Asian, 0.7%; 2 homozygotes.

Submission:

PreventionGenetics, part of Exact Sciences
Classification: Likely benign for ACACB-related condition. Last evaluated: 2022-01-11. Review status: no assertion criteria provided. Collection method: clinical testing. Allele origin: germline.
Comment: This variant is classified as likely benign based on ACMG/AMP sequence variant interpretation guidelines (Richards et al. 2015 PMID: 25741868, with internal and published modifications).

NM_001093.4(ACACB):c.656C>T (p.Pro219Leu)

Gene: ACACB (acetyl-CoA carboxylase beta; plus strand). Cytogenetic location: 12q24.11.
Variant type: single nucleotide variant.
Coding change: c.656C>T on transcript NM_001093.4 (MANE Select); coding-DNA position 656, C replaced by T.
Protein change: p.Pro219Leu; replaces proline 219 with leucine.
Molecular consequence: missense variant.
Genome position (GRCh38, 1-based): chr12:109,166,863, C>T. VCF-style: chr12-109166863-C-T. GRCh37 (hg19) VCF-style: chr12-109604668-C-T.
Other names: c.656C>T, p.Pro219Leu (NM_001412734.1, NM_001412735.1); c.50C>T, p.Pro17Leu (NM_001412736.1, NM_001412738.1, NM_001412739.1 and 2 more transcripts); c.29C>T, p.Pro10Leu (NM_001412737.1); short protein forms P10L, P17L, P219L.
Identifiers: ClinVar variation 3049102 (VCV003049102.2), dbSNP rs17848820, ClinGen allele CA6772993.